The following is an entry in ClinVar:

ClinVar aggregate classification (germline): Uncertain significance. Review status: criteria provided, multiple submitters, no conflicts (2 of 4 stars). 3 submissions from 3 submitters: Uncertain significance (3). Last evaluated 2025-07-29.

Conditions:
Methylmalonic acidemia due to transcobalamin receptor defect (MATR). Also called: METHYLMALONIC ACIDURIA, TRANSIENT, DUE TO TRANSCOBALAMIN RECEPTOR DEFECT; METHYLMALONIC ACIDEMIA, TCblR TYPE. Identifiers: Orphanet 280183, MedGen C4749905, MONDO:0013341, OMIM 613646.

Allele frequency attached by ClinVar (database versions not stated): TOPMed 0.00016; 1000 Genomes Project 30x 0.00031.

Submissions (3):

Labcorp Genetics (formerly Invitae), Labcorp
Classification: Uncertain significance for Methylmalonic acidemia due to transcobalamin receptor defect. Last evaluated: 2025-07-29. Review status: criteria provided, single submitter. Criteria: Invitae Variant Classification Sherloc (09022015). Collection method: clinical testing. Allele origin: germline.
Comment: This sequence change replaces glycine, which is neutral and non-polar, with alanine, which is neutral and non-polar, at codon 4 of the CD320 protein (p.Gly4Ala). This variant is present in population databases (rs2232774, gnomAD 0.03%). This variant has not been reported in the literature in individuals affected with CD320-related conditions. ClinVar contains an entry for this variant (Variation ID: 566210). An algorithm developed to predict the effect of missense changes on protein structure and function outputs the following: PolyPhen-2: "Probably Damaging". The alanine amino acid residue is found in multiple mammalian species, which suggests that this missense change does not adversely affect protein function. In summary, the available evidence is currently insufficient to determine the role of this variant in disease. Therefore, it has been classified as a Variant of Uncertain Significance.

Ambry Genetics
Classification: Uncertain significance. Last evaluated: 2025-04-12. Review status: criteria provided, single submitter. Criteria: Ambry Variant Classification Scheme 2023. Collection method: clinical testing. Allele origin: germline.

Revvity Omics, Revvity
Classification: Uncertain significance for Methylmalonic acidemia due to transcobalamin receptor defect. Last evaluated: 2023-01-12. Review status: criteria provided, single submitter. Criteria: ACMG Guidelines, 2015. Collection method: clinical testing. Allele origin: germline.

NM_016579.4(CD320):c.11G>C (p.Gly4Ala)

Gene: CD320 (CD320 molecule; minus strand). Cytogenetic location: 19p13.2.
Variant type: single nucleotide variant.
Coding change: c.11G>C on transcript NM_016579.4 (MANE Select); coding-DNA position 11, G replaced by C.
Protein change: p.Gly4Ala; replaces glycine 4 with alanine.
Molecular consequence: missense variant.
Genome position (GRCh38, 1-based): chr19:8,308,280, C>G on the plus strand (G>C on the coding strand, the complement: CD320 is on the minus strand). VCF-style: chr19-8308280-C-G. GRCh37 (hg19) VCF-style: chr19-8373164-C-G.
Other names: c.11G>C, p.Gly4Ala (NM_001165895.2); short protein forms G4A.
Identifiers: ClinVar variation 566210 (VCV000566210.13), dbSNP rs2232774, ClinGen allele CA9154874.